The following is an entry in ClinVar:

NM_001204375.2(NPR3):c.1229del (p.Gly410fs)

Gene: NPR3 (natriuretic peptide receptor 3; plus strand). Cytogenetic location: 5p13.3.
Variant type: Deletion.
Coding change: c.1229del on transcript NM_001204375.2 (MANE Select); coding-DNA position 1229, one base deleted (G; older notation c.1229delG).
Protein change: p.Gly410fs; shifts the reading frame from glycine 410.
Molecular consequence: frameshift variant.
Genome position (GRCh38, 1-based): chr5:32,780,755, G deleted; the last of 2 consecutive G bases (chr5:32,780,754-32,780,755); deleting either gives the same sequence. VCF-style (leftmost placement, unchanged base first): chr5-32780753-CG-C. GRCh37 (hg19) VCF-style: chr5-32780859-CG-C.
Other names: c.1229del, p.Gly410fs (NM_000908.4); c.581del, p.Gly194fs (NM_001204376.2, NM_001363652.2); c.509del, p.Gly170fs (NM_001364458.2); c.458del, p.Gly153fs (NM_001364460.2); short protein forms G153fs, G170fs, G194fs, G410fs.
Identifiers: ClinVar variation 4529510 (VCV004529510.1).

ClinVar aggregate classification (germline): Likely pathogenic (1 of 4 stars; one submission).

Conditions:
Boudin-Mortier syndrome (BOMOS). Also called: Tall stature and long digits with extra epiphyses. Identifiers: MedGen C5561992, MONDO:0859194, OMIM 619543.

Submission:

Laboratory of Molecular Genetics, National Medical Research Center for Therapy and Preventive Medicine
Classification: Likely pathogenic for Boudin-Mortier syndrome. Last evaluated: 2025-11-13. Review status: criteria provided, single submitter. Criteria: ACMG Guidelines, 2015. Collection method: clinical testing. Allele origin: germline. Inheritance: Autosomal recessive inheritance. Affected: yes. Observed: 1 homozygote.
Comment: The frameshift variant c.1229del in exon 5 of the NPR3 gene leads to premature termination of translation. Based on sequence properties, this variant likely leads to nonsense-mediated decay of mRNA from an affected allele. It has extremely low frequency in gnomAD v4.1.0 population database (0.000069%) and, to our knowledge, has not been previously described. In total, these observations are consistent with the diagnosis of Boudin-Mortier syndrome (BOMOS) (PMID: 30032985). Hence, the variant c.1229del in NPR3 was classified as likely pathogenic in BOMOS.

Literature cited by the submitters: PubMed 30032985; PubMed 35233476.